The following is an entry in ClinVar:

NM_004360.5(CDH1):c.253G>T (p.Val85Phe)

Gene: CDH1 (cadherin 1; plus strand). Cytogenetic location: 16q22.1.
Variant type: single nucleotide variant.
Coding change: c.253G>T on transcript NM_004360.5 (MANE Select); coding-DNA position 253, G replaced by T.
Protein change: p.Val85Phe; replaces valine 85 with phenylalanine.
Molecular consequence: missense variant. On other transcripts: 5 prime UTR variant (2).
Genome position (GRCh38, 1-based): chr16:68,801,759, G>T. VCF-style: chr16-68801759-G-T. GRCh37 (hg19) VCF-style: chr16-68835662-G-T.
Other names: c.253G>T, p.Val85Phe (NM_001317184.2); c.-1363G>T (NM_001317185.2); c.-1567G>T (NM_001317186.2); short protein forms V85F.
Identifiers: ClinVar variation 5033988 (VCV005033988.1).
Genomic context (GRCh38, chr16:68,801,759, plus strand): 5'-AGGACAGCCTATTTTTCCCTCGACACCCGATTCAAAGTGGGCACAGATGGTGTGATTACA[G>T]TCAAAAGGCCTCTACGGTTTCATAACCCACAGATCCATTTCTTGGTCTACGCCTGGGACT-3'
Protein context (NP_004351.1, residues 75-95): FKVGTDGVIT[Val85Phe]KRPLRFHNPQ

ClinVar aggregate classification (germline): Uncertain significance (1 of 4 stars; one submission).

Conditions:
Hereditary cancer-predisposing syndrome. Also called: Neoplastic Syndromes, Hereditary; Tumor predisposition; Hereditary neoplastic syndrome; Hereditary Cancer Syndrome. Identifiers: Orphanet 140162, MedGen C0027672, MeSH D009386, MONDO:0015356.

Submission:

Ambry Genetics
Classification: Uncertain significance for Hereditary cancer-predisposing syndrome. Last evaluated: 2026-07-07. Review status: criteria provided, single submitter. Criteria: Ambry Variant Classification Scheme 2023. Collection method: clinical testing. Allele origin: germline.
Comment: The p.V85F variant (also known as c.253G>T), located in coding exon 3 of the CDH1 gene, results from a G to T substitution at nucleotide position 253. The valine at codon 85 is replaced by phenylalanine, an amino acid with highly similar properties. This amino acid position is conserved. In addition, the in silico prediction for this alteration is inconclusive. Based on the available evidence, the clinical significance of this variant remains unclear.